The following is an entry in ClinVar:

ClinVar aggregate classification (germline): Conflicting classifications of pathogenicity. Review status: criteria provided, conflicting classifications (1 of 4 stars). 3 submissions from 3 submitters: Uncertain significance (2); Likely benign (1). Last evaluated 2025-03-12.

Conditions:
Hereditary cancer-predisposing syndrome. Also called: Tumor predisposition; Hereditary Cancer Syndrome; Hereditary neoplastic syndrome; Neoplastic Syndromes, Hereditary. Identifiers: Orphanet 140162, MedGen C0027672, MeSH D009386, MONDO:0015356.
Familial melanoma. Also called: Hereditary melanoma; Hereditary cutaneous melanoma. Identifiers: Orphanet 618, MedGen C1512419, MONDO:0018961.

Allele frequency attached by ClinVar (database versions not stated): TOPMed below 0.00001.

Submissions (3):

Labcorp Genetics (formerly Invitae), Labcorp
Classification: Uncertain significance for Familial melanoma. Last evaluated: 2025-03-12. Review status: criteria provided, single submitter. Criteria: Invitae Variant Classification Sherloc (09022015). Collection method: clinical testing. Allele origin: germline.
Comment: This sequence change replaces isoleucine, which is neutral and non-polar, with valine, which is neutral and non-polar, at codon 284 of the CDK4 protein (p.Ile284Val). This variant is not present in population databases (gnomAD no frequency). This variant has not been reported in the literature in individuals affected with CDK4-related conditions. ClinVar contains an entry for this variant (Variation ID: 182406). An algorithm developed to predict the effect of missense changes on protein structure and function outputs the following: PolyPhen-2: "Benign". The valine amino acid residue is found in multiple mammalian species, which suggests that this missense change does not adversely affect protein function. In summary, the available evidence is currently insufficient to determine the role of this variant in disease. Therefore, it has been classified as a Variant of Uncertain Significance.

Ambry Genetics
Classification: Likely benign for Hereditary cancer-predisposing syndrome. Last evaluated: 2024-11-20. Review status: criteria provided, single submitter. Criteria: Ambry Variant Classification Scheme 2023. Collection method: clinical testing. Allele origin: germline.

GeneDx
Classification: Uncertain significance. Last evaluated: 2014-07-30. Review status: criteria provided, single submitter. Criteria: GeneDx Variant Classification (06012015). Collection method: clinical testing. Allele origin: germline. Affected: yes.
Comment: This variant is denoted CDK4 c.850A>G at the cDNA level, p.Ile284Val (I284V) at the protein level, and results in the change of an Isoleucine to a Valine (ATC>GTC). This variant has not, to our knowledge, been published in the literature as pathogenic or benign. CDK4 Ile284Val was not observed in approximately 6,500 individuals of European and African American ancestry in the NHLBI Exome Sequencing Project, indicating it is not a common benign variant in these populations. Since Isoleucine and Valine share similar properties, this is considered a conservative amino acid substitution. CDK4 Ile284Val occurs at a position that is well conserved in mammals and is located in the protein kinase domain (UniProt). In silico analyses are inconsistent regarding the effect this variant may have on protein structure and function. Based on currently available information, it is unclear whether CDK4 Ile284Val is pathogenic or benign. We consider it to be a variant of uncertain significance.

NM_000075.4(CDK4):c.850A>G (p.Ile284Val)

Genes: CDK4 (cyclin dependent kinase 4; minus strand), TSPAN31 (tetraspanin 31; plus strand). Cytogenetic location: 12q14.1.
Variant type: single nucleotide variant.
Coding change: c.850A>G on transcript NM_000075.4 (MANE Select); coding-DNA position 850, A replaced by G.
Protein change: p.Ile284Val; replaces isoleucine 284 with valine.
Molecular consequence: missense variant. On other transcripts: 3 prime UTR variant (3).
Genome position (GRCh38, 1-based): chr12:57,748,587, T>C on the plus strand (A>G on the coding strand, the complement: CDK4 is on the minus strand). VCF-style: chr12-57748587-T-C. GRCh37 (hg19) VCF-style: chr12-58142370-T-C.
Other names: p.I284V:ATC>GTC; c.*1297T>C (NM_001330168.2, NM_001330169.2, NM_005981.5); short protein forms I284V.
Identifiers: ClinVar variation 182406 (VCV000182406.12), dbSNP rs730881671, ClinGen allele CA299016.